The following is an entry in ClinVar:

ClinVar aggregate classification (germline): Likely benign. Review status: criteria provided, multiple submitters, no conflicts (2 of 4 stars). 3 submissions from 3 submitters: Likely benign (2). 1 of the submissions does not count toward it. Last evaluated 2025-08-19.

Conditions:
TMC8-related disorder. Also called: TMC8-related condition.
Epidermodysplasia verruciformis. Identifiers: Orphanet 302, MedGen C0014522, MONDO:0009176.

Allele frequency attached by ClinVar (database versions not stated): TOPMed 0.00003; ExAC 0.00004; gnomAD 0.00004; gnomAD exomes 0.00004.
gnomAD v4.1: 78 of 1,613,880 alleles (0.0048%); highest among the groups gnomAD compares: East Asian, 0.018%; no homozygotes.

Submissions (3):

Labcorp Genetics (formerly Invitae), Labcorp
Classification: Likely benign for Epidermodysplasia verruciformis. Last evaluated: 2025-08-19. Review status: criteria provided, single submitter. Criteria: Invitae Variant Classification Sherloc (09022015). Collection method: clinical testing. Allele origin: germline.

Blueprint Genetics
Classification: Likely benign. Last evaluated: 2024-05-20. Review status: criteria provided, single submitter. Criteria: ACMG Guidelines, 2015. Collection method: clinical testing. Allele origin: germline.

PreventionGenetics, part of Exact Sciences
Classification: Likely benign for TMC8-related condition. Last evaluated: 2023-09-28. Review status: no assertion criteria provided. Collection method: clinical testing. Allele origin: germline. Not counted in ClinVar's aggregate classification.
Comment: This variant is classified as likely benign based on ACMG/AMP sequence variant interpretation guidelines (Richards et al. 2015 PMID: 25741868, with internal and published modifications).

NM_152468.5(TMC8):c.1440G>A (p.Ala480=)

Gene: TMC8 (transmembrane channel like 8; plus strand). Cytogenetic location: 17q25.3.
Variant type: single nucleotide variant.
Coding change: c.1440G>A on transcript NM_152468.5 (MANE Select); coding-DNA position 1440, G replaced by A.
Protein change: p.Ala480=; no amino-acid change (alanine 480 retained).
Molecular consequence: synonymous variant.
Genome position (GRCh38, 1-based): chr17:78,138,095, G>A. VCF-style: chr17-78138095-G-A. GRCh37 (hg19) VCF-style: chr17-76134176-G-A.
Identifiers: ClinVar variation 2048274 (VCV002048274.7), dbSNP rs775427703, ClinGen allele CA8796870.